The following is an entry in ClinVar:

ClinVar aggregate classification (germline): Uncertain significance (1 of 4 stars; one submission).

Conditions:
Temtamy preaxial brachydactyly syndrome (TPBS). Identifiers: Orphanet 363417, MedGen C1854466, MONDO:0011533, OMIM 605282.

Submission:

Labcorp Genetics (formerly Invitae), Labcorp
Classification: Uncertain significance for Temtamy preaxial brachydactyly syndrome. Last evaluated: 2023-06-19. Review status: criteria provided, single submitter. Criteria: Invitae Variant Classification Sherloc (09022015). Collection method: clinical testing. Allele origin: germline.
Comment: This sequence change replaces glycine, which is neutral and non-polar, with valine, which is neutral and non-polar, at codon 707 of the CHSY1 protein (p.Gly707Val). This variant is not present in population databases (gnomAD no frequency). This variant has not been reported in the literature in individuals affected with CHSY1-related conditions. Advanced modeling of protein sequence and biophysical properties (such as structural, functional, and spatial information, amino acid conservation, physicochemical variation, residue mobility, and thermodynamic stability) performed at Invitae indicates that this missense variant is expected to disrupt CHSY1 protein function. In summary, the available evidence is currently insufficient to determine the role of this variant in disease. Therefore, it has been classified as a Variant of Uncertain Significance.

NM_014918.5(CHSY1):c.2120G>T (p.Gly707Val)

Gene: CHSY1 (chondroitin sulfate synthase 1; minus strand). Cytogenetic location: 15q26.3.
Variant type: single nucleotide variant.
Coding change: c.2120G>T on transcript NM_014918.5 (MANE Select); coding-DNA position 2120, G replaced by T.
Protein change: p.Gly707Val; replaces glycine 707 with valine.
Molecular consequence: missense variant.
Genome position (GRCh38, 1-based): chr15:101,177,677, C>A on the plus strand (G>T on the coding strand, the complement: CHSY1 is on the minus strand). VCF-style: chr15-101177677-C-A. GRCh37 (hg19) VCF-style: chr15-101717882-C-A.
Other names: short protein forms G707V.
Identifiers: ClinVar variation 2871063 (VCV002871063.3), dbSNP rs2505669837, ClinGen allele CA393957556.